The following is an entry in ClinVar:

ClinVar aggregate classification (germline): Uncertain significance (1 of 4 stars; one submission).

Conditions:
Holoprosencephaly 3 (HPE3). Identifiers: Orphanet 2162, MedGen C1840529, MONDO:0007733, OMIM 142945.

Allele frequency attached by ClinVar (database versions not stated): TOPMed 0.00002.

Submission:

Labcorp Genetics (formerly Invitae), Labcorp
Classification: Uncertain significance for Holoprosencephaly 3. Last evaluated: 2022-08-09. Review status: criteria provided, single submitter. Criteria: Invitae Variant Classification Sherloc (09022015). Collection method: clinical testing. Allele origin: germline.
Comment: In summary, the available evidence is currently insufficient to determine the role of this variant in disease. Therefore, it has been classified as a Variant of Uncertain Significance. Experimental studies and prediction algorithms are not available or were not evaluated, and the functional significance of this variant is currently unknown. This variant has not been reported in the literature in individuals affected with SHH-related conditions. This variant is not present in population databases (gnomAD no frequency). This variant occurs in a non-coding region of the SHH gene. It does not change the encoded amino acid sequence of the SHH protein.

NC_000007.14:g.156789444C>G

Genes: LMBR1 (limb development membrane protein 1; minus strand), SHH (sonic hedgehog signaling molecule; minus strand). Cytogenetic location: 7q36.3.
Variant type: single nucleotide variant.
Molecular consequence: intron variant (on NM_022458.4).
Genome position: GRCh38 VCF-style: chr7-156789444-C-G. GRCh37 (hg19) VCF-style: chr7-156582138-C-G.
Other names: c.423+6945G>C (NM_001350953.2, NM_001363410.2, NM_022458.4 and 1 more transcripts); c.-112+6945G>C (NM_001350958.2, NM_001350956.2, NM_001350955.2 and 1 more transcripts); c.54+6945G>C (NM_001350957.2, NM_001363411.2); c.360+6945G>C (NM_001363412.2); c.144+6945G>C (NM_001350954.2).
Identifiers: ClinVar variation 2877504 (VCV002877504.3), dbSNP rs1348647460, ClinGen allele CA835803430.